The following is an entry in ClinVar:

NM_152415.3(VPS37A):c.751G>A (p.Val251Ile)

Gene: VPS37A (VPS37A subunit of ESCRT-I; plus strand). Cytogenetic location: 8p22.
Variant type: single nucleotide variant.
Coding change: c.751G>A on transcript NM_152415.3 (MANE Select); coding-DNA position 751, G replaced by A.
Protein change: p.Val251Ile; replaces valine 251 with isoleucine.
Molecular consequence: missense variant.
Genome position (GRCh38, 1-based): chr8:17,280,065, G>A. VCF-style: chr8-17280065-G-A. GRCh37 (hg19) VCF-style: chr8-17137574-G-A.
Other names: c.676G>A, p.Val226Ile (NM_001145152.2); c.751G>A, p.Val251Ile (NM_001363167.1, NM_001363173.2); c.481G>A, p.Val161Ile (NM_001363168.1, NM_001363169.1, NM_001363170.1 and 2 more transcripts); short protein forms V161I, V226I, V251I.
Identifiers: ClinVar variation 2171850 (VCV002171850.4), dbSNP rs1814896867, ClinGen allele CA370402676.
Genomic context (GRCh38, chr8:17,280,065, plus strand): 5'-CATTTTTTCTTTTGTGTTTCTAGTGTGTCACAACTCACAGATATGAATGAACAAGAGGAG[G>A]TATTACTAGAACAGTTTCTGACTTTGCCTCAACTAAAACAAATTATTACCGACAAAGATG-3'
Protein context (NP_689628.2, residues 241-261): QLTDMNEQEE[Val251Ile]LLEQFLTLPQ

ClinVar aggregate classification (germline): Uncertain significance (1 of 4 stars; one submission).

Conditions:
Hereditary spastic paraplegia 53. Also called: Spastic paraplegia 53, autosomal recessive. Identifiers: Orphanet 319199, MedGen C3539494, MONDO:0013962, OMIM 614898.

Allele frequency attached by ClinVar (database versions not stated): gnomAD 0.00001; TOPMed 0.00002.

Submission:

Labcorp Genetics (formerly Invitae), Labcorp
Classification: Uncertain significance for Hereditary spastic paraplegia 53. Last evaluated: 2022-06-10. Review status: criteria provided, single submitter. Criteria: Invitae Variant Classification Sherloc (09022015). Collection method: clinical testing. Allele origin: germline.
Comment: This sequence change replaces valine, which is neutral and non-polar, with isoleucine, which is neutral and non-polar, at codon 251 of the VPS37A protein (p.Val251Ile). This variant is not present in population databases (gnomAD no frequency). In summary, the available evidence is currently insufficient to determine the role of this variant in disease. Therefore, it has been classified as a Variant of Uncertain Significance. Algorithms developed to predict the effect of sequence changes on RNA splicing suggest that this variant may disrupt the consensus splice site. Algorithms developed to predict the effect of missense changes on protein structure and function output the following: SIFT: "Tolerated"; PolyPhen-2: "Benign"; Align-GVGD: "Class C0". The isoleucine amino acid residue is found in multiple mammalian species, which suggests that this missense change does not adversely affect protein function. This variant has not been reported in the literature in individuals affected with VPS37A-related conditions.